The following is an entry in ClinVar:

NR_199791.1(RNU2-2):n.101_102delinsAG

Genes: RNU2-2 (RNA, U2 small nuclear 2; minus strand), WDR74 (WD repeat domain 74; minus strand). Cytogenetic location: 11q12.3.
Variant type: Indel.
Molecular consequence: non-coding transcript variant (on NR_199791.1). On other transcripts: 5 prime UTR variant (1).
Genome position: GRCh38 VCF-style: chr11-62841708-AA-CT. GRCh37 (hg19) VCF-style: chr11-62609180-AA-CT.
Other names: c.-438_-437delinsAG (NM_001369451.1).
Identifiers: ClinVar variation 4540503 (VCV004540503.1).

ClinVar aggregate classification (germline): Uncertain significance (1 of 4 stars; one submission).

Submission:

Institute for Human Genetics, University Hospital Essen
Classification: Uncertain significance. Last evaluated: 2025-11-27. Review status: criteria provided, single submitter. Criteria: Submitter's publication. Collection method: clinical testing. Allele origin: inherited. Inheritance: Autosomal unknown. Affected: yes. Observed: 1 variant allele, 1 compound heterozygote.
Comment: PM1, PM3, PM2_supp (criteria rationale detailed in Leitão et al. Nature Genetics 2026)